The following is an entry in ClinVar:

NM_002637.4(PHKA1):c.2716C>T (p.Arg906Ter)

Gene: PHKA1 (phosphorylase kinase regulatory subunit alpha 1; minus strand). Cytogenetic location: Xq13.1.
Variant type: single nucleotide variant.
Coding change: c.2716C>T on transcript NM_002637.4 (MANE Select); coding-DNA position 2716, C replaced by T.
Protein change: p.Arg906Ter; replaces arginine 906 with a stop codon.
Molecular consequence: nonsense.
Genome position (GRCh38, 1-based): chrX:72,605,370, G>A on the plus strand (C>T on the coding strand, the complement: PHKA1 is on the minus strand). VCF-style: chrX-72605370-G-A. GRCh37 (hg19) VCF-style: chrX-71825220-G-A.
Other names: c.2539C>T, p.Arg847Ter (NM_001172436.2); c.2716C>T, p.Arg906Ter (NM_001431068.1, NM_001122670.2); short protein forms R847*, R906*.
Identifiers: ClinVar variation 3683387 (VCV003683387.4).

ClinVar aggregate classification (germline): Pathogenic/Likely pathogenic. Review status: criteria provided, multiple submitters, no conflicts (2 of 4 stars). 2 submissions from 2 submitters: Pathogenic (1); Likely pathogenic (1). Last evaluated 2024-06-09.

Conditions:
Glycogen storage disease IXd (GSD9D). Also called: Muscle Phosphorylase Kinase Deficiency; GSD IXd. Identifiers: Orphanet 715, MedGen C1845151, MONDO:0010362, OMIM 300559.

gnomAD v4.1: 3 of 1,204,585 alleles (0.00025%); highest among the groups gnomAD compares: Non-Finnish European, 0.00034%; no homozygotes.

Submissions (2):

Labcorp Genetics (formerly Invitae), Labcorp
Classification: Pathogenic for Glycogen storage disease IXd. Last evaluated: 2024-06-09. Review status: criteria provided, single submitter. Criteria: Invitae Variant Classification Sherloc (09022015). Collection method: clinical testing. Allele origin: germline.
Comment: This sequence change creates a premature translational stop signal (p.Arg906*) in the PHKA1 gene. It is expected to result in an absent or disrupted protein product. Loss-of-function variants in PHKA1 are known to be pathogenic (PMID: 9731190, 15637709). This variant is not present in population databases (gnomAD no frequency). This variant has not been reported in the literature in individuals affected with PHKA1-related conditions. Algorithms developed to predict the effect of sequence changes on RNA splicing suggest that this variant may disrupt the consensus splice site. For these reasons, this variant has been classified as Pathogenic.

Juno Genomics, Hangzhou Juno Genomics, Inc
Classification: Likely pathogenic for Glycogen storage disease IXd. Review status: criteria provided, single submitter. Criteria: ACMG Guidelines, 2015. Collection method: clinical testing. Allele origin: germline.
Comment: Null variant in a gene where loss of function (LOF) is a known mechanism of disease.;Absent from controls (or at extremely low frequency if recessive) in Genome Aggregation Database.

Literature cited by the submitters: PubMed 9731190 (cited by Labcorp Genetics (formerly Invitae), Labcorp); PubMed 15637709 (cited by Labcorp Genetics (formerly Invitae), Labcorp).